The following is an entry in ClinVar:

ClinVar aggregate classification (germline): Uncertain significance (1 of 4 stars; one submission).

gnomAD v4.1: 1 of 1,534,286 alleles (0.000065%); highest among the groups gnomAD compares: South Asian, 0.0012%; no homozygotes.

Submission:

Labcorp Genetics (formerly Invitae), Labcorp
Classification: Uncertain significance. Last evaluated: 2022-06-27. Review status: criteria provided, single submitter. Criteria: Invitae Variant Classification Sherloc (09022015). Collection method: clinical testing. Allele origin: germline.
Comment: This variant is not present in population databases (gnomAD no frequency). In summary, the available evidence is currently insufficient to determine the role of this variant in disease. Therefore, it has been classified as a Variant of Uncertain Significance. Algorithms developed to predict the effect of missense changes on protein structure and function are either unavailable or do not agree on the potential impact of this missense change (SIFT: "Tolerated"; PolyPhen-2: "Not Available"; Align-GVGD: "Class C0"). This variant has not been reported in the literature in individuals affected with PDZD7-related conditions. This sequence change replaces leucine, which is neutral and non-polar, with proline, which is neutral and non-polar, at codon 677 of the PDZD7 protein (p.Leu677Pro).

NM_001195263.2(PDZD7):c.2030T>C (p.Leu677Pro)

Gene: PDZD7 (PDZ domain containing 7; minus strand). Cytogenetic location: 10q24.31.
Variant type: single nucleotide variant.
Coding change: c.2030T>C on transcript NM_001195263.2 (MANE Select); coding-DNA position 2030, T replaced by C.
Protein change: p.Leu677Pro; replaces leucine 677 with proline.
Molecular consequence: missense variant.
Genome position (GRCh38, 1-based): chr10:101,010,859, A>G on the plus strand (T>C on the coding strand, the complement: PDZD7 is on the minus strand). VCF-style: chr10-101010859-A-G. GRCh37 (hg19) VCF-style: chr10-102770616-A-G.
Other names: short protein forms L677P.
Identifiers: ClinVar variation 2011632 (VCV002011632.4), dbSNP rs2492784507, ClinGen allele CA378225458.